The following is an entry in ClinVar:

NM_002691.4(POLD1):c.2433C>T (p.Gly811=)

Gene: POLD1 (DNA polymerase delta 1, catalytic subunit; plus strand). Cytogenetic location: 19q13.33.
Variant type: single nucleotide variant.
Coding change: c.2433C>T on transcript NM_002691.4 (MANE Select); coding-DNA position 2433, C replaced by T.
Protein change: p.Gly811=; no amino-acid change (glycine 811 retained).
Molecular consequence: synonymous variant. On other transcripts: non-coding transcript variant (1).
Genome position (GRCh38, 1-based): chr19:50,414,859, C>T. VCF-style: chr19-50414859-C-T. GRCh37 (hg19) VCF-style: chr19-50918116-C-T.
Other names: c.2433C>T, p.Gly811= (NM_001256849.1); c.2511C>T, p.Gly837= (NM_001308632.1); c.2433C>T (NM_002691.2).
Identifiers: ClinVar variation 469261 (VCV000469261.20), dbSNP rs1051057675, ClinGen allele CA9596522.

ClinVar aggregate classification (germline): Likely benign. Review status: criteria provided, multiple submitters, no conflicts (2 of 4 stars). 5 submissions from 5 submitters: Likely benign (3). 2 of the submissions do not count toward it. Last evaluated 2026-01-06.

Conditions:
POLD1-related disorder. Also called: POLD1-related condition; POLD1-related disorders.
Hereditary cancer-predisposing syndrome. Also called: Neoplastic Syndromes, Hereditary; Hereditary neoplastic syndrome; Tumor predisposition; Hereditary Cancer Syndrome. Identifiers: Orphanet 140162, MedGen C0027672, MeSH D009386, MONDO:0015356.
POLD1-related polyposis and colorectal cancer syndrome (CRCS10). Also called: Colorectal cancer 10; COLORECTAL CANCER, SUSCEPTIBILITY TO, ON CHROMOSOME 19q; Colorectal cancer, susceptibility to, 10. Identifiers: Orphanet 220460, MedGen C2675481, MONDO:0012953, OMIM 612591.

Allele frequency attached by ClinVar (database versions not stated): gnomAD exomes below 0.00001 and 0.00001; ExAC 0.00001; gnomAD 0.00001 and 0.00002; TOPMed 0.00002.
gnomAD v4.1: 4 of 1,603,504 alleles (0.00025%); highest among the groups gnomAD compares: African/African-American, 0.0054%; no homozygotes.

Submissions (5):

Labcorp Genetics (formerly Invitae), Labcorp
Classification: Likely benign for POLD1-related polyposis and colorectal cancer syndrome. Last evaluated: 2026-01-06. Review status: criteria provided, single submitter. Criteria: Invitae Variant Classification Sherloc (09022015). Collection method: clinical testing. Allele origin: germline.

GeneDx
Classification: Likely benign. Last evaluated: 2019-02-19. Review status: criteria provided, single submitter. Criteria: GeneDx Variant Classification Process June 2021. Collection method: clinical testing. Allele origin: germline. Affected: yes.

Ambry Genetics
Classification: Likely benign for Hereditary cancer-predisposing syndrome. Last evaluated: 2018-07-07. Review status: criteria provided, single submitter. Criteria: Ambry Variant Classification Scheme 2023. Collection method: clinical testing. Allele origin: germline.

PreventionGenetics, part of Exact Sciences
Classification: Likely benign for POLD1-related condition. Last evaluated: 2022-10-07. Review status: no assertion criteria provided. Collection method: clinical testing. Allele origin: germline. Not counted in ClinVar's aggregate classification.
Comment: This variant is classified as likely benign based on ACMG/AMP sequence variant interpretation guidelines (Richards et al. 2015 PMID: 25741868, with internal and published modifications).

Counsyl
Classification: Likely benign for POLD1-related polyposis and colorectal cancer syndrome. Last evaluated: 2018-04-02. Review status: no assertion criteria provided. Collection method: clinical testing. Allele origin: unknown. Not counted in ClinVar's aggregate classification.